The following is an entry in ClinVar:

NM_000548.5(TSC2):c.2690del (p.Phe897fs)

Gene: TSC2 (TSC complex subunit 2; plus strand). Cytogenetic location: 16p13.3.
Variant type: Deletion.
Coding change: c.2690del on transcript NM_000548.5 (MANE Select); coding-DNA position 2690, one base deleted (T; older notation c.2690delT).
Protein change: p.Phe897fs; shifts the reading frame from phenylalanine 897.
Molecular consequence: frameshift variant. On other transcripts: non-coding transcript variant (5).
Genome position (GRCh38, 1-based): chr16:2,076,118, T deleted; the last of 2 consecutive T bases (chr16:2,076,117-2,076,118); deleting either gives the same sequence. VCF-style (leftmost placement, unchanged base first): chr16-2076116-GT-G. GRCh37 (hg19) VCF-style: chr16-2126117-GT-G.
Other names: c.2678del, p.Phe893fs (NM_001406673.1, NM_001406671.1); c.2543del, p.Phe848fs (NM_001406675.1, NM_001406676.1, NM_001406679.1 and 1 more transcripts); c.2633del, p.Phe878fs (NM_001406677.1); c.2579del, p.Phe860fs (NM_001406678.1, NM_001318827.2, NM_001406670.1); c.2090del, p.Phe697fs (NM_001406680.1, NM_001406682.1, NM_001406683.1 and 6 more transcripts); c.2228del, p.Phe743fs (NM_001406681.1); c.1346del, p.Phe449fs (NM_001406689.1, NM_001406690.1, NM_001406691.1 and 6 more transcripts); c.2690del, p.Phe897fs (NM_001077183.3, NM_001114382.3, NM_001363528.2 and 6 more transcripts); and 3 more; short protein forms F697fs, F743fs, F363fs, F449fs, F860fs, F893fs, F897fs, F927fs.
Identifiers: ClinVar variation 2736291 (VCV002736291.3), dbSNP rs2543908413, ClinGen allele CA2695221388.

ClinVar aggregate classification (germline): Pathogenic (1 of 4 stars; one submission).

Conditions:
Tuberous sclerosis 2 (TSC2). Identifiers: Orphanet 805, MedGen C1860707, MONDO:0013199, OMIM 613254.

Submission:

Labcorp Genetics (formerly Invitae), Labcorp
Classification: Pathogenic for Tuberous sclerosis 2. Last evaluated: 2023-11-11. Review status: criteria provided, single submitter. Criteria: Invitae Variant Classification Sherloc (09022015). Collection method: clinical testing. Allele origin: germline.
Comment: This sequence change creates a premature translational stop signal (p.Phe897Serfs*51) in the TSC2 gene. It is expected to result in an absent or disrupted protein product. Loss-of-function variants in TSC2 are known to be pathogenic (PMID: 10205261, 17304050). This variant is not present in population databases (gnomAD no frequency). This premature translational stop signal has been observed in individual(s) with tuberous sclerosis complex (PMID: 24840834). It has also been observed to segregate with disease in related individuals. Algorithms developed to predict the effect of sequence changes on RNA splicing suggest that this variant may disrupt the consensus splice site. For these reasons, this variant has been classified as Pathogenic.

Literature cited by the submitters: PubMed 10205261; PubMed 17304050; PubMed 24840834.